The following is an entry in ClinVar:

NM_000393.5(COL5A2):c.1158+79A>C

Gene: COL5A2 (collagen type V alpha 2 chain; minus strand). Cytogenetic location: 2q32.2.
Variant type: single nucleotide variant.
Coding change: c.1158+79A>C on transcript NM_000393.5 (MANE Select); 79 bases into the intron after coding-DNA position 1158, A replaced by C.
Molecular consequence: intron variant.
Genome position (GRCh38, 1-based): chr2:189,071,961, T>G on the plus strand (A>C on the coding strand, the complement: COL5A2 is on the minus strand). VCF-style: chr2-189071961-T-G. GRCh37 (hg19) VCF-style: chr2-189936687-T-G.
Identifiers: ClinVar variation 672282 (VCV000672282.2), dbSNP rs6434317, ClinGen allele CA11134089.

ClinVar aggregate classification (germline): Benign. Review status: criteria provided, multiple submitters, no conflicts (2 of 4 stars). 2 submissions from 2 submitters: Benign (2). Last evaluated 2018-06-14.

Allele frequency attached by ClinVar (database versions not stated): 1000 Genomes Project 30x 0.63851; 1000 Genomes Project 0.64257; TOPMed 0.69370; gnomAD 0.71167 and 0.71265; gnomAD exomes 0.77689.
gnomAD v4.1: 734,632 of 959,412 alleles (77%); highest among the groups gnomAD compares: Non-Finnish European, 81%; 285,112 homozygotes.

Submissions (2):

GeneDx
Classification: Benign. Last evaluated: 2018-06-14. Review status: criteria provided, single submitter. Criteria: GeneDx Variant Classification (06012015). Collection method: clinical testing. Allele origin: germline. Affected: yes.
Comment: This variant is considered likely benign or benign based on one or more of the following criteria: it is a conservative change, it occurs at a poorly conserved position in the protein, it is predicted to be benign by multiple in silico algorithms, and/or has population frequency not consistent with disease.

Breakthrough Genomics
Classification: Benign. Review status: criteria provided, single submitter. Criteria: ACMG Guidelines, 2015. Collection method: not provided. Allele origin: germline. Inheritance: Autosomal dominant inheritance. Affected: yes.